The following is an entry in ClinVar:

ClinVar aggregate classification (germline): Likely benign. Review status: criteria provided, multiple submitters, no conflicts (2 of 4 stars). 2 submissions from 2 submitters: Likely benign (2). Last evaluated 2025-05-04.

Conditions:
RASopathy. Also called: rasopathies; Noonan spectrum disorder. Identifiers: Orphanet 536391, MedGen C5555857, MONDO:0021060.

Allele frequency attached by ClinVar (database versions not stated): gnomAD 0.00001; gnomAD exomes 0.00001; TOPMed 0.00002.
gnomAD v4.1: 18 of 1,613,598 alleles (0.0011%); highest among the groups gnomAD compares: Non-Finnish European, 0.0015%; no homozygotes.

Submissions (2):

Labcorp Genetics (formerly Invitae), Labcorp
Classification: Likely benign for RASopathy. Last evaluated: 2025-05-04. Review status: criteria provided, single submitter. Criteria: Invitae Variant Classification Sherloc (09022015). Collection method: clinical testing. Allele origin: germline.

Women's Health and Genetics/Laboratory Corporation of America, LabCorp
Classification: Likely benign. Last evaluated: 2023-10-25. Review status: criteria provided, single submitter. Criteria: LabCorp Variant Classification Summary - May 2015. Collection method: clinical testing. Allele origin: germline.
Comment: Variant summary: RAF1 c.1537-19C>T alters a nucleotide located at a position not widely known to affect splicing. Consensus agreement among computation tools predict no significant impact on normal splicing. However, these predictions have yet to be confirmed by functional studies. The variant allele was found at a frequency of 1.6e-05 in 251088 control chromosomes. The available data on variant occurrences in the general population are insufficient to allow any conclusion about variant significance. To our knowledge, no occurrence of c.1537-19C>T in individuals affected with Noonan Syndrome And Related Conditions and no experimental evidence demonstrating its impact on protein function have been reported. One submitter has cited clinical-significance assessments for this variant to ClinVar after 2014 and has classified the variant as likely benign. Based on the evidence outlined above, the variant was classified as likely benign.

NM_002880.4(RAF1):c.1537-19C>T

Gene: RAF1 (Raf-1 proto-oncogene, serine/threonine kinase; minus strand). Cytogenetic location: 3p25.2.
Variant type: single nucleotide variant.
Coding change: c.1537-19C>T on transcript NM_002880.4 (MANE Select); 19 bases into the intron before coding-DNA position 1537, C replaced by T.
Molecular consequence: intron variant.
Genome position (GRCh38, 1-based): chr3:12,585,272, G>A on the plus strand (C>T on the coding strand, the complement: RAF1 is on the minus strand). VCF-style: chr3-12585272-G-A. GRCh37 (hg19) VCF-style: chr3-12626771-G-A.
Other names: c.1195-19C>T (NM_001354695.3); c.1294-19C>T (NM_001354692.3, NM_001354691.3); c.1354-19C>T (NM_001354694.3); c.1438-19C>T (NM_001354693.3); c.1597-19C>T (NM_001354689.3); c.1537-19C>T (NM_001354690.3).
Identifiers: ClinVar variation 2079486 (VCV002079486.5), dbSNP rs1302992974, ClinGen allele CA541675226.